The following is an entry in ClinVar:

ClinVar aggregate classification (germline): Uncertain significance. Review status: criteria provided, multiple submitters, no conflicts (2 of 4 stars). 2 submissions from 2 submitters: Uncertain significance (2). Last evaluated 2024-10-24.

Conditions:
Charcot-Marie-Tooth disease axonal type 2O. Also called: CHARCOT-MARIE-TOOTH NEUROPATHY, AXONAL, TYPE 2O; CHARCOT-MARIE-TOOTH DISEASE, AXONAL, AUTOSOMAL DOMINANT, TYPE 2O; Charcot-Marie-Tooth Neuropathy Type 2O; Charcot-Marie-Tooth disease, axonal, type 20. Identifiers: Orphanet 284232, MedGen C3280220, MONDO:0013644, OMIM 614228.

Submissions (2):

Labcorp Genetics (formerly Invitae), Labcorp
Classification: Uncertain significance for Charcot-Marie-Tooth disease axonal type 2O. Last evaluated: 2024-10-24. Review status: criteria provided, single submitter. Criteria: Invitae Variant Classification Sherloc (09022015). Collection method: clinical testing. Allele origin: germline.
Comment: This sequence change creates a premature translational stop signal (p.Arg4195*) in the DYNC1H1 gene. It is expected to result in an absent or disrupted protein product. However, the current clinical and genetic evidence is not sufficient to establish whether loss-of-function variants in DYNC1H1 cause disease. This variant is not present in population databases (gnomAD no frequency). This variant has not been reported in the literature in individuals affected with DYNC1H1-related conditions. ClinVar contains an entry for this variant (Variation ID: 1510867). Experimental studies and prediction algorithms are not available or were not evaluated, and the functional significance of this variant is currently unknown. In summary, the available evidence is currently insufficient to determine the role of this variant in disease. Therefore, it has been classified as a Variant of Uncertain Significance.

Clinical Genetics Laboratory, Skane University Hospital Lund
Classification: Uncertain significance. Last evaluated: 2024-02-06. Review status: criteria provided, single submitter. Criteria: ACMG Guidelines, 2015. Collection method: clinical testing. Allele origin: germline. Affected: yes.

NM_001376.5(DYNC1H1):c.12583C>T (p.Arg4195Ter)

Gene: DYNC1H1 (dynein cytoplasmic 1 heavy chain 1; plus strand). Cytogenetic location: 14q32.31.
Variant type: single nucleotide variant.
Coding change: c.12583C>T on transcript NM_001376.5 (MANE Select); coding-DNA position 12583, C replaced by T.
Protein change: p.Arg4195Ter; replaces arginine 4195 with a stop codon.
Molecular consequence: nonsense.
Genome position (GRCh38, 1-based): chr14:102,043,944, C>T. VCF-style: chr14-102043944-C-T. GRCh37 (hg19) VCF-style: chr14-102510281-C-T.
Other names: short protein forms R4195*.
Identifiers: ClinVar variation 1510867 (VCV001510867.7), dbSNP rs2152597488, ClinGen allele CA391042250.